The following is an entry in ClinVar:

NM_153460.4(IL17RC):c.2133del (p.Ala712fs)

Genes: IL17RC (interleukin 17 receptor C; plus strand), LOC129936144 (ATAC-STARR-seq lymphoblastoid silent region 14051; plus strand). Cytogenetic location: 3p25.3.
Variant type: Deletion.
Coding change: c.2133del on transcript NM_153460.4 (MANE Select); coding-DNA position 2133, one base deleted (C; older notation c.2133delC).
Protein change: p.Ala712fs; shifts the reading frame from alanine 712.
Molecular consequence: frameshift variant. On other transcripts: non-coding transcript variant (1).
Genome position (GRCh38, 1-based): chr3:9,933,563, C deleted. VCF-style (leftmost placement, unchanged base first): chr3-9933562-GC-G. GRCh37 (hg19) VCF-style: chr3-9975246-GC-G.
Other names: c.2094del, p.Ala699fs (NM_001203263.2); c.2043del, p.Ala682fs (NM_001203264.2); c.2037del, p.Ala680fs (NM_001203265.2); c.2055del, p.Ala686fs (NM_001367278.1); c.1974del, p.Ala659fs (NM_001367279.1); c.2049del, p.Ala684fs (NM_001367280.1); c.1998del, p.Ala667fs (NM_001410711.1); c.2088del, p.Ala697fs (NM_032732.6); and 1 more; short protein forms A659fs, A680fs, A667fs, A682fs, A697fs, A712fs, A684fs, A686fs.
Identifiers: ClinVar variation 3650918 (VCV003650918.2).

ClinVar aggregate classification (germline): Uncertain significance (1 of 4 stars; one submission).

Conditions:
Candidiasis, familial, 9 (CANDF9). Identifiers: Orphanet 1334, MedGen C4225324, MONDO:0014642, OMIM 616445.

Submission:

Labcorp Genetics (formerly Invitae), Labcorp
Classification: Uncertain significance for Candidiasis, familial, 9. Last evaluated: 2024-04-25. Review status: criteria provided, single submitter. Criteria: Invitae Variant Classification Sherloc (09022015). Collection method: clinical testing. Allele origin: germline.
Comment: This sequence change results in a frameshift in the IL17RC gene (p.Ala783Argfs*11). While this is not anticipated to result in nonsense mediated decay, it is expected to disrupt the last 9 amino acid(s) of the IL17RC protein and extend the protein by 1 additional amino acid residues. This variant is not present in population databases (gnomAD no frequency). This variant has not been reported in the literature in individuals affected with IL17RC-related conditions. Experimental studies and prediction algorithms are not available or were not evaluated, and the functional significance of this variant is currently unknown. In summary, the available evidence is currently insufficient to determine the role of this variant in disease. Therefore, it has been classified as a Variant of Uncertain Significance.